The following is an entry in ClinVar:

ClinVar aggregate classification (germline): Likely pathogenic (1 of 4 stars; one submission).

Conditions:
Autosomal recessive limb-girdle muscular dystrophy type 2J (LGMDR10). Also called: Limb-girdle muscular dystrophy, type 2J; MUSCULAR DYSTROPHY, LIMB-GIRDLE, AUTOSOMAL RECESSIVE 10. Identifiers: Orphanet 140922, MedGen C1837342, MONDO:0012127, OMIM 608807.
Dilated cardiomyopathy 1G (CMD1G). Identifiers: Orphanet 154, MedGen C1858763, MONDO:0011400, OMIM 604145.

Submission:

Labcorp Genetics (formerly Invitae), Labcorp
Classification: Likely pathogenic for Dilated cardiomyopathy 1G; Autosomal recessive limb-girdle muscular dystrophy type 2J. Last evaluated: 2025-08-16. Review status: criteria provided, single submitter. Criteria: Invitae Variant Classification Sherloc (09022015). Collection method: clinical testing. Allele origin: germline.
Comment: This sequence change creates a premature translational stop signal (p.Thr15263Glufs*7) in the TTN gene. While this is not anticipated to result in nonsense mediated decay, it is expected to create a truncated TTN protein. This variant is not present in population databases (gnomAD no frequency). This variant has not been reported in the literature in individuals affected with TTN-related conditions. ClinVar contains an entry for this variant (Variation ID: 2023974). This variant is located in the I band of TTN (PMID: 25589632). Truncating variants in this region have been reported in individuals affected with autosomal recessive centronuclear myopathy (PMID: 23975875, internal data). Truncating variants in this region have also been identified in individuals affected with autosomal dominant dilated cardiomyopathy and/or cardio-related conditions (PMID: 27869827, 32964742, internal data). In summary, the currently available evidence indicates that the variant is pathogenic, but additional data are needed to prove that conclusively. Therefore, this variant has been classified as Likely Pathogenic.

Literature cited by the submitters: PubMed 25589632; PubMed 23975875; PubMed 27869827; PubMed 32964742.

NM_001267550.2(TTN):c.45787_45793del (p.Thr15263fs)

Gene: TTN (titin; minus strand). Cytogenetic location: 2q31.2.
Variant type: Deletion.
Coding change: c.45787_45793del on transcript NM_001267550.2 (MANE Select); coding-DNA positions 45787 to 45793, 7 bases deleted (ACCCTCA; older notation c.45787_45793delACCCTCA).
Protein change: p.Thr15263fs; shifts the reading frame from threonine 15263.
Molecular consequence: frameshift variant.
Genome position (GRCh38, 1-based): chr2:178,620,817-178,620,823, TGAGGGT deleted on the plus strand (ACCCTCA on the coding strand, the reverse complement: TTN is on the minus strand). VCF-style (leftmost placement, unchanged base first): chr2-178620816-CTGAGGGT-C. GRCh37 (hg19) VCF-style: chr2-179485543-CTGAGGGT-C.
Other names: c.40864_40870del, p.Thr13622fs (NM_001256850.1); c.18592_18598del, p.Thr6198fs (NM_003319.4); c.38083_38089del, p.Thr12695fs (NM_133378.4); c.18967_18973del, p.Thr6323fs (NM_133432.3); c.19168_19174del, p.Thr6390fs (NM_133437.4); short protein forms T13622fs, T6323fs, T12695fs, T6198fs, T6390fs, T15263fs.
Identifiers: ClinVar variation 2023974 (VCV002023974.4), dbSNP rs2471019482, ClinGen allele CA2580065031.